The following is an entry in ClinVar:

NM_015884.4(MBTPS2):c.405_407del (p.Ser136del)

Gene: MBTPS2 (membrane bound transcription factor peptidase, site 2; plus strand). Cytogenetic location: Xp22.12.
Variant type: Deletion.
Coding change: c.405_407del on transcript NM_015884.4 (MANE Select); coding-DNA positions 405 to 407, 3 bases deleted (CTC; older notation c.405_407delCTC).
Protein change: p.Ser136del; deletes serine 136.
Molecular consequence: inframe deletion.
Genome position (GRCh38, 1-based): chrX:21,845,351-21,845,353, CTC deleted; deleting any 3 consecutive bases within chrX:21,845,349-21,845,353 gives the same sequence; the c. name uses the placement nearest the transcript's 3' end. VCF-style (leftmost placement, unchanged base first): chrX-21845348-TTCC-T. GRCh37 (hg19) VCF-style: chrX-21863466-TTCC-T.
Other names: short protein forms S136del.
Identifiers: ClinVar variation 2047440 (VCV002047440.4), dbSNP rs2519556655, ClinGen allele CA2580100458.

ClinVar aggregate classification (germline): Uncertain significance (1 of 4 stars; one submission).

Submission:

Labcorp Genetics (formerly Invitae), Labcorp
Classification: Uncertain significance. Last evaluated: 2022-06-15. Review status: criteria provided, single submitter. Criteria: Invitae Variant Classification Sherloc (09022015). Collection method: clinical testing. Allele origin: germline.
Comment: This variant is not present in population databases (gnomAD no frequency). This variant, c.405_407del, results in the deletion of 1 amino acid(s) of the MBTPS2 protein (p.Ser136del), but otherwise preserves the integrity of the reading frame. This variant has not been reported in the literature in individuals affected with MBTPS2-related conditions. In summary, the available evidence is currently insufficient to determine the role of this variant in disease. Therefore, it has been classified as a Variant of Uncertain Significance. Experimental studies and prediction algorithms are not available or were not evaluated, and the functional significance of this variant is currently unknown.